The following is an entry in ClinVar:

NM_213599.3(ANO5):c.1691A>T (p.Gln564Leu)

Gene: ANO5 (anoctamin 5; plus strand). Cytogenetic location: 11p14.3.
Variant type: single nucleotide variant.
Coding change: c.1691A>T on transcript NM_213599.3 (MANE Select); coding-DNA position 1691, A replaced by T.
Protein change: p.Gln564Leu; replaces glutamine 564 with leucine.
Molecular consequence: missense variant.
Genome position (GRCh38, 1-based): chr11:22,262,189, A>T. VCF-style: chr11-22262189-A-T. GRCh37 (hg19) VCF-style: chr11-22283735-A-T.
Other names: c.1688A>T, p.Gln563Leu (NM_001142649.2); c.1691A>T (NM_213599.2); short protein forms Q564L, Q563L.
Identifiers: ClinVar variation 497551 (VCV000497551.10), dbSNP rs1410381664, ClinGen allele CA379922607.

ClinVar aggregate classification (germline): Conflicting classifications of pathogenicity. Review status: criteria provided, conflicting classifications (1 of 4 stars). 4 submissions from 4 submitters: Likely pathogenic (2); Uncertain significance (2). Last evaluated 2025-07-24.

Conditions:
Autosomal recessive limb-girdle muscular dystrophy type 2L (LGMDR12). Also called: Limb-Girdle Muscular Dystrophy R12 Anoctamin-5-Related (LGMD-R12); Limb-girdle muscular dystrophy, type 2L; MUSCULAR DYSTROPHY, LIMB-GIRDLE, AUTOSOMAL RECESSIVE 12. Identifiers: Orphanet 206549, MedGen C1969785, MONDO:0012652, OMIM 611307.
Gnathodiaphyseal dysplasia (GDD). Also called: GNATHODIAPHYSEAL SCLEROSIS; OSTEOGENESIS IMPERFECTA WITH UNUSUAL SKELETAL LESIONS. Identifiers: Orphanet 53697, MedGen C1833736, MONDO:0008151, OMIM 166260.
ANO5-related disorder. Also called: ANO5-related condition; ANO5-related disorders. Identifiers: MedGen CN239193.

Allele frequency attached by ClinVar (database versions not stated): TOPMed 0.00001.
gnomAD v4.1: 2 of 1,613,862 alleles (0.00012%); highest among the groups gnomAD compares: Non-Finnish European, 0.00017%; no homozygotes.

Submissions (4):

Labcorp Genetics (formerly Invitae), Labcorp
Classification: Likely pathogenic for Autosomal recessive limb-girdle muscular dystrophy type 2L; Gnathodiaphyseal dysplasia. Last evaluated: 2025-07-24. Review status: criteria provided, single submitter. Criteria: Invitae Variant Classification Sherloc (09022015). Collection method: clinical testing. Allele origin: germline.
Comment: This sequence change replaces glutamine, which is neutral and polar, with leucine, which is neutral and non-polar, at codon 564 of the ANO5 protein (p.Gln564Leu). This variant is not present in population databases (gnomAD no frequency). This missense change has been observed in individual(s) with autosomal recessive ANO5-related conditions (PMID: 23670307, 30564623). ClinVar contains an entry for this variant (Variation ID: 497551). Invitae Evidence Modeling of protein sequence and biophysical properties (such as structural, functional, and spatial information, amino acid conservation, physicochemical variation, residue mobility, and thermodynamic stability) indicates that this missense variant is expected to disrupt ANO5 protein function with a positive predictive value of 95%. In summary, the currently available evidence indicates that the variant is pathogenic, but additional data are needed to prove that conclusively. Therefore, this variant has been classified as Likely Pathogenic.

Revvity Omics, Revvity
Classification: Uncertain significance. Last evaluated: 2022-04-06. Review status: criteria provided, single submitter. Criteria: ACMG Guidelines, 2015. Collection method: clinical testing. Allele origin: germline.

Blueprint Genetics
Classification: Likely pathogenic for ANO5-related disorders. Last evaluated: 2021-03-30. Review status: criteria provided, single submitter. Criteria: ACMG Guidelines, 2015. Collection method: clinical testing. Allele origin: germline. Affected: yes. Observed: 1 variant allele.

Eurofins Ntd Llc (ga)
Classification: Uncertain significance. Last evaluated: 2016-10-05. Review status: criteria provided, single submitter. Criteria: EGL Classification Definitions 2015. Collection method: clinical testing. Allele origin: germline. Observed: 1 variant allele, 1 heterozygote.

Literature cited by the submitters: PubMed 23670307 (cited by Labcorp Genetics (formerly Invitae), Labcorp and Eurofins Ntd Llc (ga)); PubMed 30564623 (cited by Labcorp Genetics (formerly Invitae), Labcorp).